The following is an entry in ClinVar:

NM_006231.4(POLE):c.17G>C (p.Gly6Ala)

Genes: POLE (DNA polymerase epsilon, catalytic subunit; minus strand), LOC130009266 (ATAC-STARR-seq lymphoblastoid silent region 5123; plus strand). Cytogenetic location: 12q24.33.
Variant type: single nucleotide variant.
Coding change: c.17G>C on transcript NM_006231.4 (MANE Select); coding-DNA position 17, G replaced by C.
Protein change: p.Gly6Ala; replaces glycine 6 with alanine.
Molecular consequence: missense variant.
Genome position (GRCh38, 1-based): chr12:132,687,299, C>G on the plus strand (G>C on the coding strand, the complement: POLE is on the minus strand). VCF-style: chr12-132687299-C-G. GRCh37 (hg19) VCF-style: chr12-133263885-C-G.
Other names: short protein forms G6A.
Identifiers: ClinVar variation 3225403 (VCV003225403.1), dbSNP rs772972882, ClinGen allele CA387373500.

ClinVar aggregate classification (germline): Uncertain significance (1 of 4 stars; one submission).

Conditions:
Hereditary cancer-predisposing syndrome. Also called: Neoplastic Syndromes, Hereditary; Tumor predisposition; Hereditary neoplastic syndrome; Hereditary Cancer Syndrome. Identifiers: Orphanet 140162, MedGen C0027672, MeSH D009386, MONDO:0015356.

Submission:

Ambry Genetics
Classification: Uncertain significance for Hereditary cancer-predisposing syndrome. Last evaluated: 2023-10-22. Review status: criteria provided, single submitter. Criteria: Ambry Variant Classification Scheme 2023. Collection method: clinical testing. Allele origin: germline.
Comment: The p.G6A variant (also known as c.17G>C), located in coding exon 1 of the POLE gene, results from a G to C substitution at nucleotide position 17. The glycine at codon 6 is replaced by alanine, an amino acid with similar properties. This amino acid position is conserved. In addition, this alteration is predicted to be tolerated by in silico analysis. Since supporting evidence is limited at this time, the clinical significance of this alteration remains unclear.